The following is an entry in ClinVar:

NM_005751.5(AKAP9):c.4693-11del

Gene: AKAP9 (A-kinase anchoring protein 9; plus strand). Cytogenetic location: 7q21.2.
Variant type: Deletion.
Coding change: c.4693-11del on transcript NM_005751.5 (MANE Select); 11 bases into the intron before coding-DNA position 4693, one base deleted (T; older notation c.4693-11delT).
Molecular consequence: intron variant.
Genome position (GRCh38, 1-based): chr7:92,040,663, T deleted; the last of 17 consecutive T bases (chr7:92,040,647-92,040,663); deleting any one gives the same sequence. VCF-style (leftmost placement, unchanged base first): chr7-92040646-GT-G. GRCh37 (hg19) VCF-style: chr7-91669960-GT-G.
Other names: c.4693-11delT (NM_005751.4); c.4693-11del (NM_147185.3).
Identifiers: ClinVar variation 190482 (VCV000190482.7), dbSNP rs71292989, ClinGen allele CA300601.

ClinVar aggregate classification (germline): Benign/Likely benign. Review status: criteria provided, multiple submitters, no conflicts (2 of 4 stars). 2 submissions from 2 submitters: Benign (1); Likely benign (1). Last evaluated 2022-05-13.

Conditions:
Cardiac arrhythmia. Also called: Arrhythmia; Cardiac rhythm disease. Identifiers: MedGen C0003811, MONDO:0007263, HP:0011675.

Submissions (2):

Mayo Clinic Laboratories, Mayo Clinic
Classification: Likely benign. Last evaluated: 2022-05-13. Review status: criteria provided, single submitter. Criteria: ACMG Guidelines, 2015. Collection method: clinical testing. Allele origin: germline. Observed: 379 variant alleles.

GeneDx
Classification: Benign for Cardiac arrhythmia. Last evaluated: 2012-04-24. Review status: criteria provided, single submitter. Criteria: GeneDx Variant Classification (06012015). Collection method: clinical testing. Allele origin: germline. Affected: yes.
Comment: The variant is found in LQT panel(s).